The following is an entry in ClinVar:

NM_024642.5(GALNT12):c.165C>A (p.Thr55=)

Gene: GALNT12 (polypeptide N-acetylgalactosaminyltransferase 12; plus strand). Cytogenetic location: 9q22.33.
Variant type: single nucleotide variant.
Coding change: c.165C>A on transcript NM_024642.5 (MANE Select); coding-DNA position 165, C replaced by A.
Protein change: p.Thr55=; no amino-acid change (threonine 55 retained).
Molecular consequence: synonymous variant.
Genome position (GRCh38, 1-based): chr9:98,807,863, C>A. VCF-style: chr9-98807863-C-A. GRCh37 (hg19) VCF-style: chr9-101570145-C-A.
Identifiers: ClinVar variation 1777434 (VCV001777434.3), dbSNP rs937292083, ClinGen allele CA466647407.

ClinVar aggregate classification (germline): Benign/Likely benign. Review status: criteria provided, multiple submitters, no conflicts (2 of 4 stars). 2 submissions from 2 submitters: Benign (1); Likely benign (1). Last evaluated 2026-04-22.

Conditions:
Colorectal cancer, susceptibility to, 1. Also called: COLORECTAL ADENOMA AND CANCER, SUSCEPTIBILITY TO; COLORECTAL CANCER, SUSCEPTIBILITY TO, ON CHROMOSOME 9. Identifiers: MedGen C1837315, MONDO:0012132, OMIM 608812.

gnomAD v4.1: 1 of 1,011,488 alleles (0.000099%); highest among the groups gnomAD compares: Non-Finnish European, 0.00012%; no homozygotes.

Submissions (2):

Myriad Genetics, Inc.
Classification: Benign for Colorectal cancer, susceptibility to, 1. Last evaluated: 2026-04-22. Review status: criteria provided, single submitter. Criteria: Myriad Autosomal Dominant, Autosomal Recessive and X-Linked Classification Criteria (2023). Collection method: clinical testing. Allele origin: unknown.
Comment: This variant is considered benign. This variant is a silent/synonymous amino acid change and it is not expected to impact splicing.

Ambry Genetics
Classification: Likely benign. Last evaluated: 2020-01-15. Review status: criteria provided, single submitter. Criteria: Ambry Variant Classification Scheme 2023. Collection method: clinical testing. Allele origin: germline.